The following is an entry in ClinVar:

NM_031407.7(HUWE1):c.5261T>C (p.Met1754Thr)

Gene: HUWE1 (HECT, UBA and WWE domain containing E3 ubiquitin protein ligase 1; minus strand). Cytogenetic location: Xp11.22.
Variant type: single nucleotide variant.
Coding change: c.5261T>C on transcript NM_031407.7 (MANE Select); coding-DNA position 5261, T replaced by C.
Protein change: p.Met1754Thr; replaces methionine 1754 with threonine.
Molecular consequence: missense variant.
Genome position (GRCh38, 1-based): chrX:53,583,817, A>G on the plus strand (T>C on the coding strand, the complement: HUWE1 is on the minus strand). VCF-style: chrX-53583817-A-G. GRCh37 (hg19) VCF-style: chrX-53610777-A-G.
Other names: c.5261T>C, p.Met1754Thr (NM_001441058.1, NM_001441048.1, NM_001441049.1 and 6 more transcripts); c.5282T>C, p.Met1761Thr (NM_001441050.1, NM_001441055.1); short protein forms M1754T, M1761T.
Identifiers: ClinVar variation 4823056 (VCV004823056.4).
Genomic context (GRCh38, chrX:53,583,817, plus strand): 5'-GTATCTGGGTCCACAGGGACTCCCAGCATGCTCACGCAGGCCCGGATTAAAACAGTCACC[A>G]TATCTTCTGTCAAGCCCTGGATCAGGATCTCCCCGATTTTTGTTTCCTCCAGGCTTGTCT-3'
Protein context (NP_113584.3, residues 1744-1764): EILIQGLTED[Met1754Thr]VTVLIRACVS

ClinVar aggregate classification (germline): Likely benign (1 of 4 stars; one submission).

Submission:

CeGaT Center for Human Genetics Tuebingen
Classification: Likely benign. Last evaluated: 2026-01-01. Review status: criteria provided, single submitter. Criteria: CeGaT Center For Human Genetics Tuebingen Variant Classification Criteria Version 2. Collection method: clinical testing. Allele origin: germline. Affected: yes. Observed: 1 variant allele.
Comment: HUWE1: BS2